The following is an entry in ClinVar:

NM_000051.4(ATM):c.4237-19A>C

Gene: ATM (ATM serine/threonine kinase; plus strand). Cytogenetic location: 11q22.3.
Variant type: single nucleotide variant.
Coding change: c.4237-19A>C on transcript NM_000051.4 (MANE Select); 19 bases into the intron before coding-DNA position 4237, A replaced by C.
Molecular consequence: intron variant.
Genome position (GRCh38, 1-based): chr11:108,289,583, A>C. VCF-style: chr11-108289583-A-C. GRCh37 (hg19) VCF-style: chr11-108160310-A-C.
Other names: c.4237-19A>C (NM_001351834.2).
Identifiers: ClinVar variation 391649 (VCV000391649.13), dbSNP rs753311330, ClinGen allele CA16605787.

ClinVar aggregate classification (germline): Likely benign. Review status: criteria provided, multiple submitters, no conflicts (2 of 4 stars). 4 submissions from 4 submitters: Likely benign (4). Last evaluated 2026-01-04.

Conditions:
Ataxia-telangiectasia syndrome (AT). Also called: AT, COMPLEMENTATION GROUP C; ATAXIA-TELANGIECTASIA, COMPLEMENTATION GROUP A; ATAXIA-TELANGIECTASIA, FRESNO VARIANT; LOUIS-BAR SYNDROME; Ataxia-telangiectasia; Cerebello-oculocutaneous telangiectasia. Identifiers: Orphanet 100, MedGen C0004135, MONDO:0008840, OMIM 208900.
Hereditary cancer-predisposing syndrome. Also called: Neoplastic Syndromes, Hereditary; Hereditary neoplastic syndrome; Tumor predisposition; Hereditary Cancer Syndrome. Identifiers: Orphanet 140162, MedGen C0027672, MeSH D009386, MONDO:0015356.
Familial cancer of breast. Also called: BREAST CANCER, FAMILIAL; hereditary breast carcinoma; Hereditary breast cancer. Identifiers: Orphanet 227535, MedGen C0346153, MONDO:0016419, OMIM 114480. Disease mechanism: loss of function.

Allele frequency attached by ClinVar (database versions not stated): TOPMed below 0.00001.
gnomAD v4.1: 17 of 1,586,114 alleles (0.0011%); highest among the groups gnomAD compares: Non-Finnish European, 0.0012%; 1 homozygote.

Submissions (4):

Labcorp Genetics (formerly Invitae), Labcorp
Classification: Likely benign for Ataxia-telangiectasia syndrome. Last evaluated: 2026-01-04. Review status: criteria provided, single submitter. Criteria: Invitae Variant Classification Sherloc (09022015). Collection method: clinical testing. Allele origin: germline.

Myriad Genetics, Inc.
Classification: Likely benign for Familial cancer of breast. Last evaluated: 2024-05-17. Review status: criteria provided, single submitter. Criteria: Myriad Autosomal Dominant, Autosomal Recessive and X-Linked Classification Criteria (2023). Collection method: clinical testing. Allele origin: unknown.
Comment: This variant is considered likely benign. This variant is intronic and is not expected to impact mRNA splicing.

Color Diagnostics, LLC DBA Color Health
Classification: Likely benign for Hereditary cancer-predisposing syndrome. Last evaluated: 2018-06-12. Review status: criteria provided, single submitter. Criteria: ACMG Guidelines, 2015. Collection method: clinical testing. Allele origin: germline.

GeneDx
Classification: Likely benign. Last evaluated: 2016-12-08. Review status: criteria provided, single submitter. Criteria: GeneDx Variant Classification (06012015). Collection method: clinical testing. Allele origin: germline. Affected: yes.
Comment: This variant is considered likely benign or benign based on one or more of the following criteria: it is a conservative change, it occurs at a poorly conserved position in the protein, it is predicted to be benign by multiple in silico algorithms, and/or has population frequency not consistent with disease.